The following is an entry in ClinVar:

ClinVar aggregate classification (germline): Uncertain significance (1 of 4 stars; one submission).

Conditions:
Hereditary motor and sensory neuropathy, Okinawa type (HMSNO). Also called: HEREDITARY MOTOR AND SENSORY NEUROPATHY, PROXIMAL TYPE. Identifiers: Orphanet 90117, MedGen C1858338, MONDO:0011468, OMIM 604484.
Hereditary spastic paraplegia 57. Also called: Spastic paraplegia 57, autosomal recessive. Identifiers: Orphanet 431329, MedGen C3714897, MONDO:0014295, OMIM 615658.

Allele frequency attached by ClinVar (database versions not stated): TOPMed below 0.00001; gnomAD exomes 0.00001.
gnomAD v4.1: 7 of 1,556,592 alleles (0.00045%); highest among the groups gnomAD compares: South Asian, 0.0024%; no homozygotes.

Submission:

Labcorp Genetics (formerly Invitae), Labcorp
Classification: Uncertain significance for Hereditary motor and sensory neuropathy, Okinawa type; Hereditary spastic paraplegia 57. Last evaluated: 2022-04-11. Review status: criteria provided, single submitter. Criteria: Invitae Variant Classification Sherloc (09022015). Collection method: clinical testing. Allele origin: germline.
Comment: In summary, the available evidence is currently insufficient to determine the role of this variant in disease. Therefore, it has been classified as a Variant of Uncertain Significance. Algorithms developed to predict the effect of missense changes on protein structure and function are either unavailable or do not agree on the potential impact of this missense change (SIFT: "Deleterious"; PolyPhen-2: "Probably Damaging"; Align-GVGD: "Class C0"). This missense change has been observed in individual(s) with clinical features of autosomal recessive TFG-related conditions (PMID: 30467354). This variant is not present in population databases (gnomAD no frequency). This sequence change replaces isoleucine, which is neutral and non-polar, with threonine, which is neutral and polar, at codon 66 of the TFG protein (p.Ile66Thr).

Literature cited by the submitters: PubMed 30467354.

NM_006070.6(TFG):c.197T>C (p.Ile66Thr)

Gene: TFG (trafficking from ER to golgi regulator; plus strand). Cytogenetic location: 3q12.2.
Variant type: single nucleotide variant.
Coding change: c.197T>C on transcript NM_006070.6 (MANE Select); coding-DNA position 197, T replaced by C.
Protein change: p.Ile66Thr; replaces isoleucine 66 with threonine.
Molecular consequence: missense variant.
Genome position (GRCh38, 1-based): chr3:100,719,987, T>C. VCF-style: chr3-100719987-T-C. GRCh37 (hg19) VCF-style: chr3-100438831-T-C.
Other names: c.197T>C, p.Ile66Thr (NM_001007565.2, NM_001195478.2, NM_001195479.2); short protein forms I66T.
Identifiers: ClinVar variation 2169512 (VCV002169512.4), dbSNP rs1295139107, ClinGen allele CA353838926.
Genomic context (GRCh38, chr3:100,719,987, plus strand): 5'-GAAAATTTAAAAAATTAAAAAACAACCTTTTTTTTTTTTAAATTCCAGATGGAGATCTTA[T>C]AACAATTTTTGATAGTTCTGACCTTTCCTTTGCAATTCAGTGCAGTAGGATACTGAAACT-3'
Protein context (NP_006061.2, residues 56-76): IKYKDEDGDL[Ile66Thr]TIFDSSDLSF